The following is an entry in ClinVar:

ClinVar aggregate classification (germline): Uncertain significance (1 of 4 stars; one submission).

gnomAD v4.1: 3 of 1,610,914 alleles (0.00019%); highest among the groups gnomAD compares: Admixed American, 0.0033%; no homozygotes.

Submission:

GeneDx
Classification: Uncertain significance. Last evaluated: 2026-07-09. Review status: criteria provided, single submitter. Criteria: GeneDx Variant Classification Process June 2021. Collection method: clinical testing. Allele origin: germline.
Comment: Not observed at significant frequency in large population cohorts (gnomAD); In silico analysis indicates that this missense variant does not alter protein structure/function; Has not been previously published as pathogenic or benign to our knowledge

NM_133259.4(LRPPRC):c.3591A>G (p.Ile1197Met)

Gene: LRPPRC (leucine rich pentatricopeptide repeat containing; minus strand). Cytogenetic location: 2p21.
Variant type: single nucleotide variant.
Coding change: c.3591A>G on transcript NM_133259.4 (MANE Select); coding-DNA position 3591, A replaced by G.
Protein change: p.Ile1197Met; replaces isoleucine 1197 with methionine.
Molecular consequence: missense variant.
Genome position (GRCh38, 1-based): chr2:43,899,584, T>C on the plus strand (A>G on the coding strand, the complement: LRPPRC is on the minus strand). VCF-style: chr2-43899584-T-C. GRCh37 (hg19) VCF-style: chr2-44126723-T-C.
Other names: short protein forms I1197M.
Identifiers: ClinVar variation 3340814 (VCV003340814.2).